The following is an entry in ClinVar:

NM_000362.5(TIMP3):c.488G>A (p.Cys163Tyr)

Genes: SYN3 (synapsin III; minus strand), TIMP3 (TIMP metallopeptidase inhibitor 3; plus strand). Cytogenetic location: 22q12.3.
Variant type: single nucleotide variant.
Coding change: c.488G>A on transcript NM_000362.5 (MANE Select); coding-DNA position 488, G replaced by A.
Protein change: p.Cys163Tyr; replaces cysteine 163 with tyrosine.
Molecular consequence: missense variant. On other transcripts: intron variant (7).
Genome position (GRCh38, 1-based): chr22:32,859,229, G>A. VCF-style: chr22-32859229-G-A. GRCh37 (hg19) VCF-style: chr22-33255216-G-A.
Other names: c.708+5686C>T (NM_001369909.1, NM_001135774.2, NM_001369910.1); c.711+5686C>T (NM_001369907.1, NM_003490.4, NM_001369908.1 and 1 more transcripts); short protein forms C163Y.
Identifiers: ClinVar variation 3691617 (VCV003691617.2).

ClinVar aggregate classification (germline): Uncertain significance (1 of 4 stars; one submission).

Submission:

Labcorp Genetics (formerly Invitae), Labcorp
Classification: Uncertain significance. Last evaluated: 2024-10-12. Review status: criteria provided, single submitter. Criteria: Invitae Variant Classification Sherloc (09022015). Collection method: clinical testing. Allele origin: germline.
Comment: This sequence change replaces cysteine, which is neutral and slightly polar, with tyrosine, which is neutral and polar, at codon 163 of the TIMP3 protein (p.Cys163Tyr). This variant is not present in population databases (gnomAD no frequency). This variant has not been reported in the literature in individuals affected with TIMP3-related conditions. An algorithm developed to predict the effect of missense changes on protein structure and function (PolyPhen-2) suggests that this variant is likely to be disruptive. In summary, the available evidence is currently insufficient to determine the role of this variant in disease. Therefore, it has been classified as a Variant of Uncertain Significance.